The following is an entry in ClinVar:

ClinVar aggregate classification (germline): Uncertain significance (1 of 4 stars; one submission).

Conditions:
Hereditary cancer-predisposing syndrome. Also called: Neoplastic Syndromes, Hereditary; Tumor predisposition; Hereditary neoplastic syndrome; Hereditary Cancer Syndrome. Identifiers: Orphanet 140162, MedGen C0027672, MeSH D009386, MONDO:0015356.

Submission:

Ambry Genetics
Classification: Uncertain significance for Hereditary cancer-predisposing syndrome. Last evaluated: 2026-07-06. Review status: criteria provided, single submitter. Criteria: Ambry Variant Classification Scheme 2023. Collection method: clinical testing. Allele origin: germline.
Comment: The p.E64D variant (also known as c.192G>C), located in coding exon 1 of the AXIN2 gene, results from a G to C substitution at nucleotide position 192. The glutamic acid at codon 64 is replaced by aspartic acid, an amino acid with highly similar properties. This amino acid position is conserved. In addition, the in silico prediction for this alteration is inconclusive. Based on the available evidence, the clinical significance of this variant remains unclear.

NM_004655.4(AXIN2):c.192G>C (p.Glu64Asp)

Gene: AXIN2 (axin 2; minus strand). Cytogenetic location: 17q24.1.
Variant type: single nucleotide variant.
Coding change: c.192G>C on transcript NM_004655.4 (MANE Select); coding-DNA position 192, G replaced by C.
Protein change: p.Glu64Asp; replaces glutamic acid 64 with aspartic acid.
Molecular consequence: missense variant.
Genome position (GRCh38, 1-based): chr17:65,558,429, C>G on the plus strand (G>C on the coding strand, the complement: AXIN2 is on the minus strand). VCF-style: chr17-65558429-C-G. GRCh37 (hg19) VCF-style: chr17-63554547-C-G.
Other names: c.192G>C, p.Glu64Asp (NM_001363813.1); short protein forms E64D.
Identifiers: ClinVar variation 5032555 (VCV005032555.1).